The following is an entry in ClinVar:

NM_000321.3(RB1):c.2614C>T (p.Leu872=)

Gene: RB1 (RB transcriptional corepressor 1; plus strand). Cytogenetic location: 13q14.2.
Variant type: single nucleotide variant.
Coding change: c.2614C>T on transcript NM_000321.3 (MANE Select); coding-DNA position 2614, C replaced by T.
Protein change: p.Leu872=; no amino-acid change (leucine 872 retained).
Molecular consequence: synonymous variant.
Genome position (GRCh38, 1-based): chr13:48,476,794, C>T. VCF-style: chr13-48476794-C-T. GRCh37 (hg19) VCF-style: chr13-49050930-C-T.
Identifiers: ClinVar variation 1103913 (VCV001103913.12), dbSNP rs763673051, ClinGen allele CA036341.

ClinVar aggregate classification (germline): Benign/Likely benign. Review status: criteria provided, multiple submitters, no conflicts (2 of 4 stars). 4 submissions from 4 submitters: Benign (1); Likely benign (3). Last evaluated 2026-06-25.

Conditions:
Retinoblastoma (RB1). Also called: RETINOBLASTOMA, SOMATIC. Identifiers: Orphanet 790, MedGen C0035335, MeSH D012175, MONDO:0008380, OMIM 180200, HP:0009919. Disease mechanism: loss of function. Inheritance: Both sporadic and heritable forms are tested..
Hereditary cancer-predisposing syndrome. Also called: Neoplastic Syndromes, Hereditary; Tumor predisposition; Hereditary Cancer Syndrome; Hereditary neoplastic syndrome. Identifiers: Orphanet 140162, MedGen C0027672, MeSH D009386, MONDO:0015356.

Allele frequency attached by ClinVar (database versions not stated): gnomAD exomes 0.00001; ExAC 0.00001; gnomAD 0.00001.
gnomAD v4.1: 1 of 1,613,586 alleles (0.000062%); highest among the groups gnomAD compares: Non-Finnish European, 0.000085%; no homozygotes.

Submissions (4):

Myriad Genetics, Inc.
Classification: Benign for Retinoblastoma. Last evaluated: 2026-06-25. Review status: criteria provided, single submitter. Criteria: Myriad Autosomal Dominant, Autosomal Recessive and X-Linked Classification Criteria (2023). Collection method: clinical testing. Allele origin: unknown.
Comment: This variant is considered benign. This variant is a silent/synonymous amino acid change and it is not expected to impact splicing.

Color Diagnostics, LLC DBA Color Health
Classification: Likely benign for Retinoblastoma. Last evaluated: 2025-09-18. Review status: criteria provided, single submitter. Criteria: ACMG Guidelines, 2015. Collection method: clinical testing. Allele origin: germline.

Labcorp Genetics (formerly Invitae), Labcorp
Classification: Likely benign for Retinoblastoma. Last evaluated: 2025-01-19. Review status: criteria provided, single submitter. Criteria: Invitae Variant Classification Sherloc (09022015). Collection method: clinical testing. Allele origin: germline.

Ambry Genetics
Classification: Likely benign for Hereditary cancer-predisposing syndrome. Last evaluated: 2021-06-22. Review status: criteria provided, single submitter. Criteria: Ambry Variant Classification Scheme 2023. Collection method: clinical testing. Allele origin: germline.